The following is an entry in ClinVar:

NM_005188.4(CBL):c.511A>G (p.Ser171Gly)

Gene: CBL (Cbl proto-oncogene; plus strand). Cytogenetic location: 11q23.3.
Variant type: single nucleotide variant.
Coding change: c.511A>G on transcript NM_005188.4 (MANE Select); coding-DNA position 511, A replaced by G.
Protein change: p.Ser171Gly; replaces serine 171 with glycine.
Molecular consequence: missense variant.
Genome position (GRCh38, 1-based): chr11:119,271,802, A>G. VCF-style: chr11-119271802-A-G. GRCh37 (hg19) VCF-style: chr11-119142512-A-G.
Other names: c.511A>G (NM_005188.2); short protein forms S171G.
Identifiers: ClinVar variation 1408871 (VCV001408871.7), dbSNP rs1358074406, ClinGen allele CA382907393.

ClinVar aggregate classification (germline): Uncertain significance. Review status: criteria provided, multiple submitters, no conflicts (2 of 4 stars). 2 submissions from 2 submitters: Uncertain significance (2). Last evaluated 2025-04-10.

Conditions:
RASopathy. Also called: Noonan spectrum disorder; rasopathies. Identifiers: Orphanet 536391, MedGen C5555857, MONDO:0021060.
Cardiovascular phenotype. Identifiers: MedGen CN230736.

Allele frequency attached by ClinVar (database versions not stated): gnomAD exomes below 0.00001 and 0.00001; gnomAD 0.00001; TOPMed 0.00001.
gnomAD v4.1: 3 of 1,613,940 alleles (0.00019%); highest among the groups gnomAD compares: African/African-American, 0.004%; no homozygotes.

Submissions (2):

Ambry Genetics
Classification: Uncertain significance for Cardiovascular phenotype. Last evaluated: 2025-04-10. Review status: criteria provided, single submitter. Criteria: Ambry Variant Classification Scheme 2023. Collection method: clinical testing. Allele origin: germline.
Comment: The p.S171G variant (also known as c.511A>G), located in coding exon 3 of the CBL gene, results from an A to G substitution at nucleotide position 511. The serine at codon 171 is replaced by glycine, an amino acid with similar properties. This amino acid position is conserved. In addition, this alteration is predicted to be tolerated by in silico analysis. Based on the available evidence, the clinical significance of this variant remains unclear.

Labcorp Genetics (formerly Invitae), Labcorp
Classification: Uncertain significance for RASopathy. Last evaluated: 2021-08-07. Review status: criteria provided, single submitter. Criteria: Invitae Variant Classification Sherloc (09022015). Collection method: clinical testing. Allele origin: germline.
Comment: Advanced modeling of protein sequence and biophysical properties (such as structural, functional, and spatial information, amino acid conservation, physicochemical variation, residue mobility, and thermodynamic stability) performed at Invitae indicates that this missense variant is not expected to disrupt CBL protein function. This variant has not been reported in the literature in individuals affected with CBL-related conditions. This variant is not present in population databases (ExAC no frequency). This sequence change replaces serine with glycine at codon 171 of the CBL protein (p.Ser171Gly). The serine residue is moderately conserved and there is a small physicochemical difference between serine and glycine. Algorithms developed to predict the effect of sequence changes on RNA splicing suggest that this variant may create or strengthen a splice site. In summary, the available evidence is currently insufficient to determine the role of this variant in disease. Therefore, it has been classified as a Variant of Uncertain Significance.